The following is an entry in ClinVar:

NM_001170629.2(CHD8):c.1231G>C (p.Gly411Arg)

Gene: CHD8 (chromodomain helicase DNA binding protein 8; minus strand). Cytogenetic location: 14q11.2.
Variant type: single nucleotide variant.
Coding change: c.1231G>C on transcript NM_001170629.2 (MANE Select); coding-DNA position 1231, G replaced by C.
Protein change: p.Gly411Arg; replaces glycine 411 with arginine.
Molecular consequence: missense variant.
Genome position (GRCh38, 1-based): chr14:21,428,239, C>G on the plus strand (G>C on the coding strand, the complement: CHD8 is on the minus strand). VCF-style: chr14-21428239-C-G. GRCh37 (hg19) VCF-style: chr14-21896398-C-G.
Other names: c.394G>C, p.Gly132Arg (NM_020920.4); short protein forms G132R, G411R.
Identifiers: ClinVar variation 2446484 (VCV002446484.1), dbSNP rs2502003443, ClinGen allele CA388883886.

ClinVar aggregate classification (germline): Uncertain significance (1 of 4 stars; one submission).

Submission:

GeneDx
Classification: Uncertain significance. Last evaluated: 2022-10-01. Review status: criteria provided, single submitter. Criteria: GeneDx Variant Classification Process June 2021. Collection method: clinical testing. Allele origin: germline. Affected: yes.
Comment: Not observed at significant frequency in large population cohorts (gnomAD); In silico analysis supports that this missense variant does not alter protein structure/function; Has not been previously published as pathogenic or benign to our knowledge; In silico analysis suggests this variant may impact gene splicing. In the absence of RNA/functional studies, the actual effect of this sequence change is unknown.